The following is an entry in ClinVar:

ClinVar aggregate classification (germline): Pathogenic/Likely pathogenic. Review status: criteria provided, multiple submitters, no conflicts (2 of 4 stars). 7 submissions from 7 submitters: Pathogenic (1); Likely pathogenic (5). 1 of the submissions does not count toward it. Last evaluated 2026-09-08.

Conditions:
Cardiovascular phenotype. Identifiers: MedGen CN230736.
Fabry disease. Also called: ALPHA-GALACTOSIDASE A DEFICIENCY; ANDERSON-FABRY DISEASE; Fabry's disease; Ceramide trihexosidosis; Angiokeratoma corporis diffusum; CERAMIDE TRIHEXOSIDASE DEFICIENCY. Identifiers: Orphanet 324, MedGen C0002986, MONDO:0010526, OMIM 301500, HP:0001071. Disease mechanism: loss of function, Fabry disease is due to inactivating mutations in the X-linked GLA gene resulting in deficiency of the enzyme Alpha Galactosidase-A..

Submissions (7):

Genomenon, Inc
Classification: Likely pathogenic for Fabry disease. Last evaluated: 2026-09-08. Review status: criteria provided, single submitter. Criteria: Genomenon Sequence Variant Interpretation Standards - Updated. Collection method: curation. Allele origin: germline. Affected: yes.
Comment: GLA p.Pro362Leu (c.1085C>T) is a missense variant that changes the amino acid at codon 362 from Proline to Leucine. This variant has been observed in at least one proband with clinical features consistent with Fabry disease (PMID:32418857;23305247). At least one functional study has demonstrated a substantial alteration in protein function relative to the wild-type (PMID:27657681). It is absent or not present at a significant frequency in gnomAD. In silico models predict that this variant is possibly or probably damaging. In conclusion, we classify GLA p.Pro362Leu (c.1085C>T) as a likely pathogenic variant.

GeneDx
Classification: Likely pathogenic. Last evaluated: 2025-11-01. Review status: criteria provided, single submitter. Criteria: GeneDx Variant Classification Process June 2021. Collection method: clinical testing. Allele origin: germline. Affected: yes.
Comment: Published functional studies found this variant is associated with significantly reduced enzyme activity (PMID: 27657681); Not observed at significant frequency in large population cohorts (gnomAD); In silico analysis supports that this missense variant has a deleterious effect on protein structure/function; This variant is associated with the following publications: (PMID: 25382311, 15712228, 12175777, 28615118, 35338595, 27657681, 23305247)

Labcorp Genetics (formerly Invitae), Labcorp
Classification: Pathogenic for Fabry disease. Last evaluated: 2024-10-15. Review status: criteria provided, single submitter. Criteria: Invitae Variant Classification Sherloc (09022015). Collection method: clinical testing. Allele origin: germline.
Comment: This sequence change replaces proline, which is neutral and non-polar, with leucine, which is neutral and non-polar, at codon 362 of the GLA protein (p.Pro362Leu). This variant is not present in population databases (gnomAD no frequency). This missense change has been observed in individual(s) with clinical features of Fabry disease (PMID: 12175777, 23305247; internal data). ClinVar contains an entry for this variant (Variation ID: 180832). Invitae Evidence Modeling of protein sequence and biophysical properties (such as structural, functional, and spatial information, amino acid conservation, physicochemical variation, residue mobility, and thermodynamic stability) has been performed for this missense variant. However, the output from this modeling did not meet the statistical confidence thresholds required to predict the impact of this variant on GLA protein function. Experimental studies have shown that this missense change affects GLA function (PMID: 27657681). For these reasons, this variant has been classified as Pathogenic.

Molecular Diagnostic Laboratory for Inherited Cardiovascular Disease, Montreal Heart Institute
Classification: Likely pathogenic for Cardiovascular phenotype. Last evaluated: 2023-06-01. Review status: criteria provided, single submitter. Criteria: ACMG Guidelines, 2015. Collection method: clinical testing. Allele origin: germline. Affected: yes.

Revvity Omics, Revvity
Classification: Likely pathogenic. Last evaluated: 2023-05-18. Review status: criteria provided, single submitter. Criteria: ACMG Guidelines, 2015. Collection method: clinical testing. Allele origin: germline.

Genome-Nilou Lab
Classification: Likely pathogenic for Fabry disease. Last evaluated: 2021-07-15. Review status: criteria provided, single submitter. Criteria: ACMG Guidelines, 2015. Collection method: clinical testing. Allele origin: germline. Affected: no.

Eurofins Ntd Llc (ga)
Classification: Uncertain significance. Last evaluated: 2017-04-13. Review status: flagged submission. Criteria: EGL Classification Definitions 2015. Collection method: clinical testing. Allele origin: germline. Observed: 2 variant alleles, 2 heterozygotes. Not counted in ClinVar's aggregate classification.
ClinVar note: Reason: Older and outlier claim with insufficient supporting evidence

Literature cited by the submitters: PubMed 32418857 (cited by Genomenon, Inc); PubMed 23305247 (cited by Genomenon, Inc and Labcorp Genetics (formerly Invitae), Labcorp); PubMed 27657681 (cited by Genomenon, Inc and Labcorp Genetics (formerly Invitae), Labcorp); PubMed 12175777 (cited by Labcorp Genetics (formerly Invitae), Labcorp and Eurofins Ntd Llc (ga)).

NM_000169.3(GLA):c.1085C>T (p.Pro362Leu)

Genes: GLA (galactosidase alpha; minus strand), RPL36A-HNRNPH2 (RPL36A-HNRNPH2 readthrough; plus strand). Cytogenetic location: Xq22.1.
Variant type: single nucleotide variant.
Coding change: c.1085C>T on transcript NM_000169.3 (MANE Select); coding-DNA position 1085, C replaced by T.
Protein change: p.Pro362Leu; replaces proline 362 with leucine.
Molecular consequence: missense variant. On other transcripts: non-coding transcript variant (3), intron variant (2).
Genome position (GRCh38, 1-based): chrX:101,398,014, G>A on the plus strand (C>T on the coding strand, the complement: GLA is on the minus strand). VCF-style: chrX-101398014-G-A. GRCh37 (hg19) VCF-style: chrX-100653002-G-A.
Other names: p.P362L:CCT>CTT; c.1208C>T, p.Pro403Leu (NM_001406747.1); c.300+2557G>A (NM_001199973.2); c.177+6192G>A (NM_001199974.2); short protein forms P362L, P403L.
Identifiers: ClinVar variation 180832 (VCV000180832.25), dbSNP rs730880441, ClinGen allele CA021367.